The following is an entry in ClinVar:

NM_000384.3(APOB):c.5948T>C (p.Leu1983Pro)

Gene: APOB (apolipoprotein B; minus strand). Cytogenetic location: 2p24.1.
Variant type: single nucleotide variant.
Coding change: c.5948T>C on transcript NM_000384.3 (MANE Select); coding-DNA position 5948, T replaced by C.
Protein change: p.Leu1983Pro; replaces leucine 1983 with proline.
Molecular consequence: missense variant.
Genome position (GRCh38, 1-based): chr2:21,010,920, A>G on the plus strand (T>C on the coding strand, the complement: APOB is on the minus strand). VCF-style: chr2-21010920-A-G. GRCh37 (hg19) VCF-style: chr2-21233792-A-G.
Other names: short protein forms L1983P.
Identifiers: ClinVar variation 5017812 (VCV005017812.1).

ClinVar aggregate classification (germline): Uncertain significance (1 of 4 stars; one submission).

Submission:

GeneDx
Classification: Uncertain significance. Last evaluated: 2026-03-29. Review status: criteria provided, single submitter. Criteria: GeneDx Variant Classification Process June 2021. Collection method: clinical testing. Allele origin: germline.
Comment: Not observed at significant frequency in large population cohorts (gnomAD); In silico analysis supports that this missense variant has a deleterious effect on protein structure/function; Has not been previously published as pathogenic or benign to our knowledge